The following is an entry in ClinVar:

NM_002474.3(MYH11):c.4637C>T (p.Thr1546Met)

Genes: MYH11 (myosin heavy chain 11; minus strand), NDE1 (nudE neurodevelopment protein 1; plus strand). Cytogenetic location: 16p13.11.
Variant type: single nucleotide variant.
Coding change: c.4637C>T on transcript NM_002474.3 (MANE Select); coding-DNA position 4637, C replaced by T.
Protein change: p.Thr1546Met; replaces threonine 1546 with methionine.
Molecular consequence: missense variant. On other transcripts: intron variant (2).
Genome position (GRCh38, 1-based): chr16:15,720,993, G>A on the plus strand (C>T on the coding strand, the complement: MYH11 is on the minus strand). VCF-style: chr16-15720993-G-A. GRCh37 (hg19) VCF-style: chr16-15814850-G-A.
Other names: c.4658C>T, p.Thr1553Met (NM_001040113.2, NM_001040114.2); c.4637C>T, p.Thr1546Met (NM_022844.3); c.948-3198G>A (NM_001143979.2, NM_017668.3); short protein forms T1553M, T1546M.
Identifiers: ClinVar variation 639217 (VCV000639217.29), dbSNP rs753685135, ClinGen allele CA7921602.
Genomic context (GRCh38, chr16:15,720,993, plus strand): 5'-TCCAGCCGCAGTTTGGCGTCCTCCGTGGCTTGCAGCTCGTCCTCCAGCTCTTCCAGCTGC[G>A]TCTTCATCTCCTCCATCTGGGTCTCCAGGGCCCGCTTGGACTTCTCCAGCTCATGGACCT-3'
Protein context (NP_002465.1, residues 1536-1556): ALETQMEEMK[Thr1546Met]QLEELEDELQ

ClinVar aggregate classification (germline): Uncertain significance. Review status: criteria provided, multiple submitters, no conflicts (2 of 4 stars). 5 submissions from 5 submitters: Uncertain significance (5). Last evaluated 2025-12-31.

Conditions:
Familial thoracic aortic aneurysm and aortic dissection (TAAD). Also called: Thoracic aortic aneurysms and dissections. Identifiers: Orphanet 91387, MedGen C4707243, MONDO:0019625.
Aortic aneurysm, familial thoracic 4 (AAT4). Also called: AORTIC ANEURYSM/AORTIC DISSECTION AND PATENT DUCTUS ARTERIOSUS. Identifiers: MedGen C1851504, MONDO:0007568, OMIM 132900.

Allele frequency attached by ClinVar (database versions not stated): TOPMed 0.00010; ExAC 0.00001; gnomAD exomes 0.00001; gnomAD 0.00009 and 0.00010.
gnomAD v4.1: 54 of 1,613,886 alleles (0.0033%); highest among the groups gnomAD compares: African/African-American, 0.024%; 1 homozygote.

Submissions (5):

Ambry Genetics
Classification: Uncertain significance for Familial thoracic aortic aneurysm and aortic dissection. Last evaluated: 2025-12-31. Review status: criteria provided, single submitter. Criteria: Ambry Variant Classification Scheme 2023. Collection method: clinical testing. Allele origin: germline.

Labcorp Genetics (formerly Invitae), Labcorp
Classification: Uncertain significance for Aortic aneurysm, familial thoracic 4. Last evaluated: 2025-09-04. Review status: criteria provided, single submitter. Criteria: Invitae Variant Classification Sherloc (09022015). Collection method: clinical testing. Allele origin: germline.
Comment: This sequence change replaces threonine, which is neutral and polar, with methionine, which is neutral and non-polar, at codon 1553 of the MYH11 protein (p.Thr1553Met). This variant is present in population databases (rs753685135, gnomAD 0.01%). This missense change has been observed in individual(s) with several aortic aneurysms (PMID: 31473177). ClinVar contains an entry for this variant (Variation ID: 639217). Invitae Evidence Modeling of protein sequence and biophysical properties (such as structural, functional, and spatial information, amino acid conservation, physicochemical variation, residue mobility, and thermodynamic stability) indicates that this missense variant is not expected to disrupt MYH11 protein function with a negative predictive value of 95%. In summary, the available evidence is currently insufficient to determine the role of this variant in disease. Therefore, it has been classified as a Variant of Uncertain Significance.

Color Diagnostics, LLC DBA Color Health
Classification: Uncertain significance for Familial thoracic aortic aneurysm and aortic dissection. Last evaluated: 2024-07-17. Review status: criteria provided, single submitter. Criteria: ACMG Guidelines, 2015. Collection method: clinical testing. Allele origin: germline.
Comment: This missense variant replaces threonine with methionine at codon 1553 of the MYH11 protein. Computational prediction is inconclusive regarding the impact of this variant on protein structure and function. To our knowledge, functional studies have not been reported for this variant. This variant has been reported in three individuals affected with thoracic aortic aneurysm in one family (PMID: 31473177). This variant has been identified in 6/282848 chromosomes in the general population by the Genome Aggregation Database (gnomAD). The available evidence is insufficient to determine the role of this variant in disease conclusively. Therefore, this variant is classified as a Variant of Uncertain Significance.

GeneDx
Classification: Uncertain significance. Last evaluated: 2022-02-17. Review status: criteria provided, single submitter. Criteria: GeneDx Variant Classification Process June 2021. Collection method: clinical testing. Allele origin: germline. Affected: yes.
Comment: In silico analysis supports that this missense variant has a deleterious effect on protein structure/function; This variant is associated with the following publications: (PMID: 31473177)

Seattle Children's Hospital Molecular Genetics Laboratory, Seattle Children's Hospital
Classification: Uncertain significance. Review status: criteria provided, single submitter. Criteria: ACMG Guidelines, 2015. Collection method: clinical testing. Allele origin: germline. Affected: yes.
Comment: The p.Thr1546Met variant substitutes the threonine with a methionine at position 1546 of the myosin heavy chain 11 protein. This variant has been reported in the medical literature in a family with thoracic aortic aneurysm; the variant was present in three family members, two of which were symptomatic (PMID:31473177). The p.Thr1546Met variant has also been reported in large population studies (6 of 282,848 alleles, gnomAD v2.1.1). In silico tools have conflicting predictions of pathogenicity for the p.Thr1546Met variant.

Literature cited by the submitters: PubMed 31473177 (cited by Labcorp Genetics (formerly Invitae), Labcorp and Color Diagnostics, LLC DBA Color Health).